The following is an entry in ClinVar:

NM_024675.4(PALB2):c.764A>G (p.Asp255Gly)

Gene: PALB2 (partner and localizer of BRCA2; minus strand). Cytogenetic location: 16p12.2.
Variant type: single nucleotide variant.
Coding change: c.764A>G on transcript NM_024675.4 (MANE Select); coding-DNA position 764, A replaced by G.
Protein change: p.Asp255Gly; replaces aspartic acid 255 with glycine.
Molecular consequence: missense variant.
Genome position (GRCh38, 1-based): chr16:23,635,782, T>C on the plus strand (A>G on the coding strand, the complement: PALB2 is on the minus strand). VCF-style: chr16-23635782-T-C. GRCh37 (hg19) VCF-style: chr16-23647103-T-C.
Other names: short protein forms D255G.
Identifiers: ClinVar variation 410210 (VCV000410210.27), dbSNP rs776753788, ClinGen allele CA7963759.
Genomic context (GRCh38, chr16:23,635,782, plus strand): 5'-GTAGTAAGTTCACTGCTACCTTTAGGAGGAATGTGTTCAAGGTGCTGACTACTACCGCTA[T>C]CTGATAGAGTCTGTAAAGGAACTGTAGTCGCCCTGGTGAAATTAGGTCTTCTTAGGAATG-3'
Protein context (NP_078951.2, residues 245-265): ATTVPLQTLS[Asp255Gly]SGSSQHLEHI

ClinVar aggregate classification (germline): Uncertain significance. Review status: criteria provided, multiple submitters, no conflicts (2 of 4 stars). 5 submissions from 5 submitters: Uncertain significance (5). Last evaluated 2025-11-25.

Conditions:
Familial cancer of breast. Also called: BREAST CANCER, FAMILIAL; Hereditary breast cancer; hereditary breast carcinoma. Identifiers: Orphanet 227535, MedGen C0346153, MONDO:0016419, OMIM 114480. Disease mechanism: loss of function.
Hereditary cancer-predisposing syndrome. Also called: Tumor predisposition; Hereditary Cancer Syndrome; Hereditary neoplastic syndrome; Neoplastic Syndromes, Hereditary. Identifiers: Orphanet 140162, MedGen C0027672, MeSH D009386, MONDO:0015356.

Allele frequency attached by ClinVar (database versions not stated): gnomAD exomes below 0.00001; TOPMed below 0.00001; ExAC 0.00001; gnomAD 0.00001.
gnomAD v4.1: 6 of 1,614,070 alleles (0.00037%); highest among the groups gnomAD compares: Non-Finnish European, 0.00051%; no homozygotes.

Submissions (5):

Labcorp Genetics (formerly Invitae), Labcorp
Classification: Uncertain significance for Familial cancer of breast. Last evaluated: 2025-11-25. Review status: criteria provided, single submitter. Criteria: Invitae Variant Classification Sherloc (09022015). Collection method: clinical testing. Allele origin: germline.
Comment: This sequence change replaces aspartic acid, which is acidic and polar, with glycine, which is neutral and non-polar, at codon 255 of the PALB2 protein (p.Asp255Gly). This variant is present in population databases (rs776753788, gnomAD 0.0009%). This missense change has been observed in individual(s) with breast and/or ovarian cancer (PMID: 34026625). ClinVar contains an entry for this variant (Variation ID: 410210). An algorithm developed to predict the effect of missense changes on protein structure and function outputs the following: PolyPhen-2: "Benign". The glycine amino acid residue is found in multiple mammalian species, which suggests that this missense change does not adversely affect protein function. In summary, the available evidence is currently insufficient to determine the role of this variant in disease. Therefore, it has been classified as a Variant of Uncertain Significance.

Ambry Genetics
Classification: Uncertain significance for Hereditary cancer-predisposing syndrome. Last evaluated: 2024-12-14. Review status: criteria provided, single submitter. Criteria: Ambry Variant Classification Scheme 2023. Collection method: clinical testing. Allele origin: germline.

Color Diagnostics, LLC DBA Color Health
Classification: Uncertain significance for Hereditary cancer-predisposing syndrome. Last evaluated: 2024-07-28. Review status: criteria provided, single submitter. Criteria: ACMG Guidelines, 2015. Collection method: clinical testing. Allele origin: germline.
Comment: This missense variant replaces aspartic acid with glycine at codon 255 of the PALB2 protein. Computational prediction suggests that this variant may not impact protein structure and function. To our knowledge, functional studies have not been reported for this variant. This variant has been reported in an individual affected with breast, ovarian or pancreatic cancer (PMID: 34026625) and in a breast cancer case-control meta-analysis in 0/60466 cases and 1/53461 unaffected individuals (PMID: 33471991; Leiden Open Variation Database DB-ID PALB2_011126). This variant has been identified in 1/251376 chromosomes in the general population by the Genome Aggregation Database (gnomAD). The available evidence is insufficient to determine the role of this variant in disease conclusively. Therefore, this variant is classified as a Variant of Uncertain Significance.

Quest Diagnostics Nichols Institute San Juan Capistrano
Classification: Uncertain significance. Last evaluated: 2023-07-27. Review status: criteria provided, single submitter. Criteria: Quest Diagnostics criteria. Collection method: clinical testing. Allele origin: unknown.
Comment: In the published literature, this variant has been reported in an individual affected with hereditary breast and ovarian cancer (PMID: 34026625 (2021)). In a large scale breast cancer association study, the variant was observed in a control individual and not among the breast cancer cases (PMID: 33471991 (2021), see also LOVD). The frequency of this variant in the general population, 0.000004 (1/251376 chromosomes (Genome Aggregation Database)), is uninformative in the assessment of its pathogenicity. Analysis of this variant using bioinformatics tools for the prediction of the effect of amino acid changes on protein structure and function yielded predictions that this variant is benign. Based on the available information, we are unable to determine the clinical significance of this variant.

Women's Health and Genetics/Laboratory Corporation of America, LabCorp
Classification: Uncertain significance. Last evaluated: 2022-01-14. Review status: criteria provided, single submitter. Criteria: LabCorp Variant Classification Summary - May 2015. Collection method: clinical testing. Allele origin: germline.
Comment: Variant summary: PALB2 c.764A>G (p.Asp255Gly) results in a non-conservative amino acid change in the encoded protein sequence. Four of five in-silico tools predict a benign effect of the variant on protein function. The variant allele was found at a frequency of 4e-06 in 251376 control chromosomes (gnomAD). The available data on variant occurrences in the general population are insufficient to allow any conclusion about variant significance. c.764A>G has been reported in the literature in at least one individual affected with Hereditary Breast and/or Ovarian Cancer without evidence for causality (Doddato_2021) and an unaffected individual (Dorling_2021). These reports do not provide unequivocal conclusions about association of the variant with Hereditary Breast And Ovarian Cancer Syndrome. To our knowledge, no experimental evidence demonstrating an impact on protein function has been reported. Three clinical diagnostic laboratories have submitted clinical-significance assessments for this variant to ClinVar after 2014 and all laboratories classified the variant as uncertain significance. Based on the evidence outlined above, the variant was classified as uncertain significance.

Literature cited by the submitters: PubMed 34026625 (cited by 4 submitters); PubMed 33471991 (cited by 3 submitters).